The following is an entry in ClinVar:

NM_000492.4(CFTR):c.2840T>C (p.Ile947Thr)

Gene: CFTR (CF transmembrane conductance regulator; plus strand). Cytogenetic location: 7q31.2.
Variant type: single nucleotide variant.
Coding change: c.2840T>C on transcript NM_000492.4 (MANE Select); coding-DNA position 2840, T replaced by C.
Protein change: p.Ile947Thr; replaces isoleucine 947 with threonine.
Molecular consequence: missense variant.
Genome position (GRCh38, 1-based): chr7:117,603,714, T>C. VCF-style: chr7-117603714-T-C. GRCh37 (hg19) VCF-style: chr7-117243768-T-C.
Other names: short protein forms I947T.
Identifiers: ClinVar variation 1796717 (VCV001796717.4), dbSNP rs774142582, ClinGen allele CA4451297.

ClinVar aggregate classification (germline): Uncertain significance. Review status: criteria provided, multiple submitters, no conflicts (2 of 4 stars). 2 submissions from 2 submitters: Uncertain significance (2). Last evaluated 2025-12-15.

Conditions:
Cystic fibrosis (CF). Also called: MUCOVISCIDOSIS. Identifiers: Orphanet 586, MedGen C0010674, MONDO:0009061, OMIM 219700. Disease mechanism: loss of function.

Allele frequency attached by ClinVar (database versions not stated): ExAC 0.00001; TOPMed below 0.00001; gnomAD exomes below 0.00001; gnomAD 0.00001.
gnomAD v4.1: 4 of 1,613,926 alleles (0.00025%); highest among the groups gnomAD compares: Non-Finnish European, 0.00034%; no homozygotes.

Submissions (2):

Labcorp Genetics (formerly Invitae), Labcorp
Classification: Uncertain significance for Cystic fibrosis. Last evaluated: 2025-12-15. Review status: criteria provided, single submitter. Criteria: Invitae Variant Classification Sherloc (09022015). Collection method: clinical testing. Allele origin: germline.
Comment: This sequence change replaces isoleucine, which is neutral and non-polar, with threonine, which is neutral and polar, at codon 947 of the CFTR protein (p.Ile947Thr). This variant is not present in population databases (gnomAD no frequency). This variant has not been reported in the literature in individuals affected with CFTR-related conditions. ClinVar contains an entry for this variant (Variation ID: 1796717). Invitae Evidence Modeling of protein sequence and biophysical properties (such as structural, functional, and spatial information, amino acid conservation, physicochemical variation, residue mobility, and thermodynamic stability) indicates that this missense variant is not expected to disrupt CFTR protein function with a negative predictive value of 80%. In summary, the available evidence is currently insufficient to determine the role of this variant in disease. Therefore, it has been classified as a Variant of Uncertain Significance.

Ambry Genetics
Classification: Uncertain significance for Cystic fibrosis. Last evaluated: 2022-10-31. Review status: criteria provided, single submitter. Criteria: Ambry Variant Classification Scheme 2023. Collection method: clinical testing. Allele origin: germline.
Comment: The p.I947T variant (also known as c.2840T>C), located in coding exon 17 of the CFTR gene, results from a T to C substitution at nucleotide position 2840. The isoleucine at codon 947 is replaced by threonine, an amino acid with similar properties. This amino acid position is conserved. In addition, the in silico prediction for this alteration is inconclusive. Since supporting evidence is limited at this time, the clinical significance of this alteration remains unclear.